The following is an entry in ClinVar:

NM_144585.4(SLC22A12):c.391A>G (p.Ile131Val)

Gene: SLC22A12 (solute carrier family 22 member 12; plus strand). Cytogenetic location: 11q13.1.
Variant type: single nucleotide variant.
Coding change: c.391A>G on transcript NM_144585.4 (MANE Select); coding-DNA position 391, A replaced by G.
Protein change: p.Ile131Val; replaces isoleucine 131 with valine.
Molecular consequence: missense variant. On other transcripts: 5 prime UTR variant (1).
Genome position (GRCh38, 1-based): chr11:64,591,947, A>G. VCF-style: chr11-64591947-A-G. GRCh37 (hg19) VCF-style: chr11-64359419-A-G.
Other names: p.Ile131Val; c.391A>G, p.Ile131Val (NM_001276326.2, NM_001276327.2); c.-118A>G (NM_153378.3); c.391A>G (NM_144585.2, NM_144585.3); short protein forms I131V.
Identifiers: ClinVar variation 1034758 (VCV001034758.14), dbSNP rs150428327, ClinGen allele CA6077040.
Genomic context (GRCh38, chr11:64,591,947, plus strand): 5'-GCCGACACGGAGCCGTGTGTGGATGGCTGGGTCTATGACCGCAGCATCTTCACCTCCACA[A>G]TCGTGGCCAAGGTAGGGCCTCCCCCAGAGCCACTCGAGTCCCACCACCTTGGAGGTCAGT-3'
Protein context (NP_653186.2, residues 121-141): VYDRSIFTST[Ile131Val]VAKWNLVCDS

ClinVar aggregate classification (germline): Uncertain significance. Review status: criteria provided, multiple submitters, no conflicts (2 of 4 stars). 5 submissions from 5 submitters: Uncertain significance (5). Last evaluated 2025-10-26.

Conditions:
Inborn genetic diseases. Identifiers: MedGen C0950123, MeSH D030342.
Dalmatian hypouricemia (RHUC1). Identifiers: MedGen C0473219, MONDO:0020728, OMIM 220150.
SLC22A12-related disorder. Also called: SLC22A12-related condition.

Allele frequency attached by ClinVar (database versions not stated): gnomAD exomes 0.00005 and 0.00016; 1000 Genomes Project 30x 0.00016; ExAC 0.00017; 1000 Genomes Project 0.00020; gnomAD 0.00031 and 0.00033; TOPMed 0.00031; ESP Exome Variant Server 0.00062.
gnomAD v4.1: 135 of 1,611,132 alleles (0.0084%); highest among the groups gnomAD compares: Middle Eastern, 0.082%; 1 homozygote.

Submissions (5):

Labcorp Genetics (formerly Invitae), Labcorp
Classification: Uncertain significance. Last evaluated: 2025-10-26. Review status: criteria provided, single submitter. Criteria: Invitae Variant Classification Sherloc (09022015). Collection method: clinical testing. Allele origin: germline.
Comment: This sequence change replaces isoleucine, which is neutral and non-polar, with valine, which is neutral and non-polar, at codon 131 of the SLC22A12 protein (p.Ile131Val). This variant is present in population databases (rs150428327, gnomAD 0.09%). This variant has not been reported in the literature in individuals affected with SLC22A12-related conditions. ClinVar contains an entry for this variant (Variation ID: 1034758). An algorithm developed to predict the effect of missense changes on protein structure and function outputs the following: PolyPhen-2: "Benign". The valine amino acid residue is found in multiple mammalian species, which suggests that this missense change does not adversely affect protein function. In summary, the available evidence is currently insufficient to determine the role of this variant in disease. Therefore, it has been classified as a Variant of Uncertain Significance.

PreventionGenetics, part of Exact Sciences
Classification: Uncertain significance for SLC22A12-related condition. Last evaluated: 2025-10-10. Review status: criteria provided, single submitter. Criteria: ACMG Guidelines, 2015. Collection method: clinical testing. Allele origin: germline.
Comment: The SLC22A12 c.391A>G variant is predicted to result in the amino acid substitution p.Ile131Val. To our knowledge, this variant has not been reported in the literature. This variant is reported in 0.089% of alleles in individuals of African descent in gnomAD. Although we suspect that this variant may be benign, at this time, the clinical significance of this variant is uncertain due to the absence of conclusive functional and genetic evidence.

Ambry Genetics
Classification: Uncertain significance for Inborn genetic diseases. Last evaluated: 2025-04-11. Review status: criteria provided, single submitter. Criteria: Ambry Variant Classification Scheme 2023. Collection method: clinical testing. Allele origin: germline.

Mayo Clinic Laboratories, Mayo Clinic
Classification: Uncertain significance. Last evaluated: 2024-08-14. Review status: criteria provided, single submitter. Criteria: ACMG Guidelines, 2015. Collection method: clinical testing. Allele origin: germline. Observed: 1 variant allele.

Fulgent Genetics
Classification: Uncertain significance for Dalmatian hypouricemia. Last evaluated: 2024-02-14. Review status: criteria provided, single submitter. Criteria: ACMG Guidelines, 2015. Collection method: clinical testing. Allele origin: germline.